The following is an entry in ClinVar:

ClinVar aggregate classification (germline): Uncertain significance (1 of 4 stars; one submission).

Submission:

CeGaT Center for Human Genetics Tuebingen
Classification: Uncertain significance. Last evaluated: 2026-01-01. Review status: criteria provided, single submitter. Criteria: CeGaT Center For Human Genetics Tuebingen Variant Classification Criteria Version 2. Collection method: clinical testing. Allele origin: germline. Affected: yes. Observed: 1 variant allele.
Comment: ATL1: PM2

NM_015915.5(ATL1):c.172C>G (p.Leu58Val)

Gene: ATL1 (atlastin GTPase 1; plus strand). Cytogenetic location: 14q22.1.
Variant type: single nucleotide variant.
Coding change: c.172C>G on transcript NM_015915.5 (MANE Select); coding-DNA position 172, C replaced by G.
Protein change: p.Leu58Val; replaces leucine 58 with valine.
Molecular consequence: missense variant.
Genome position (GRCh38, 1-based): chr14:50,587,968, C>G. VCF-style: chr14-50587968-C-G. GRCh37 (hg19) VCF-style: chr14-51054686-C-G.
Other names: c.172C>G, p.Leu58Val (NM_001127713.1, NM_181598.4); short protein forms L58V.
Identifiers: ClinVar variation 4822889 (VCV004822889.4).